The following is an entry in ClinVar:

ClinVar aggregate classification (germline): Uncertain significance (1 of 4 stars; one submission).

Conditions:
Charcot-Marie-Tooth disease type 2. Also called: Charcot-Marie-Tooth type 2. Identifiers: Orphanet 64746, MedGen C0270914, MONDO:0018993.

Allele frequency attached by ClinVar (database versions not stated): gnomAD 0.00001.
gnomAD v4.1: 1 of 1,614,034 alleles (0.000062%); highest among the groups gnomAD compares: African/African-American, 0.0013%; no homozygotes.

Submission:

Labcorp Genetics (formerly Invitae), Labcorp
Classification: Uncertain significance for Charcot-Marie-Tooth disease type 2. Last evaluated: 2024-12-02. Review status: criteria provided, single submitter. Criteria: Invitae Variant Classification Sherloc (09022015). Collection method: clinical testing. Allele origin: germline.
Comment: This sequence change replaces serine, which is neutral and polar, with tyrosine, which is neutral and polar, at codon 256 of the AARS protein (p.Ser256Tyr). This variant is present in population databases (no rsID available, gnomAD 0.01%). This variant has not been reported in the literature in individuals affected with AARS-related conditions. ClinVar contains an entry for this variant (Variation ID: 1961346). Invitae Evidence Modeling of protein sequence and biophysical properties (such as structural, functional, and spatial information, amino acid conservation, physicochemical variation, residue mobility, and thermodynamic stability) has been performed for this missense variant. However, the output from this modeling did not meet the statistical confidence thresholds required to predict the impact of this variant on AARS protein function. In summary, the available evidence is currently insufficient to determine the role of this variant in disease. Therefore, it has been classified as a Variant of Uncertain Significance.

NM_001605.3(AARS1):c.767C>A (p.Ser256Tyr)

Gene: AARS1 (alanyl-tRNA synthetase 1; minus strand). Cytogenetic location: 16q22.1.
Variant type: single nucleotide variant.
Coding change: c.767C>A on transcript NM_001605.3 (MANE Select); coding-DNA position 767, C replaced by A.
Protein change: p.Ser256Tyr; replaces serine 256 with tyrosine.
Molecular consequence: missense variant.
Genome position (GRCh38, 1-based): chr16:70,270,245, G>T on the plus strand (C>A on the coding strand, the complement: AARS1 is on the minus strand). VCF-style: chr16-70270245-G-T. GRCh37 (hg19) VCF-style: chr16-70304148-G-T.
Other names: short protein forms S256Y.
Identifiers: ClinVar variation 1961346 (VCV001961346.5), dbSNP rs1165646293, ClinGen allele CA396565316.